The following is an entry in ClinVar:

NM_024589.3(ROGDI):c.336+5C>T

Gene: ROGDI (rogdi atypical leucine zipper; minus strand). Cytogenetic location: 16p13.3.
Variant type: single nucleotide variant.
Coding change: c.336+5C>T on transcript NM_024589.3 (MANE Select); 5 bases into the intron after coding-DNA position 336, C replaced by T.
Molecular consequence: intron variant.
Genome position (GRCh38, 1-based): chr16:4,800,493, G>A on the plus strand (C>T on the coding strand, the complement: ROGDI is on the minus strand). VCF-style: chr16-4800493-G-A. GRCh37 (hg19) VCF-style: chr16-4850494-G-A.
Identifiers: ClinVar variation 1464389 (VCV001464389.6), dbSNP rs2141910504, ClinGen allele CA2573152067.
Genomic context (GRCh38, chr16:4,800,493, plus strand): 5'-CCCCGCGGCAGGCCTGCTGCCGCCTGTCCTTGTGGCTGAGCACTAGCCAGGAGGGGCGGG[G>A]TCACCTGCTGCAGCTTCCACTGCTTGTCCTCCCGGAAGGCGAAGTGCAGCAGCTGGTTGT-3'

ClinVar aggregate classification (germline): Uncertain significance (1 of 4 stars; one submission).

Conditions:
Amelocerebrohypohidrotic syndrome (KTZS). Also called: EPILEPSY AND YELLOW TEETH; EPILEPSY, DEMENTIA, AND AMELOGENESIS IMPERFECTA; KOHLSCHUTTER SYNDROME; Kohlschutter's syndrome. Identifiers: Orphanet 1946, MedGen C0406740, MONDO:0009185, OMIM 226750.

gnomAD v4.1: 1 of 1,552,984 alleles (0.000064%); highest among the groups gnomAD compares: Non-Finnish European, 0.000087%; no homozygotes.

Submission:

Labcorp Genetics (formerly Invitae), Labcorp
Classification: Uncertain significance for Amelocerebrohypohidrotic syndrome. Last evaluated: 2021-09-01. Review status: criteria provided, single submitter. Criteria: Invitae Variant Classification Sherloc (09022015). Collection method: clinical testing. Allele origin: germline.
Comment: In summary, the available evidence is currently insufficient to determine the role of this variant in disease. Therefore, it has been classified as a Variant of Uncertain Significance. Variants that disrupt the consensus splice site are a relatively common cause of aberrant splicing (PMID: 17576681, 9536098). Algorithms developed to predict the effect of sequence changes on RNA splicing suggest that this variant may disrupt the consensus splice site. This variant has not been reported in the literature in individuals affected with ROGDI-related conditions. This variant is not present in population databases (ExAC no frequency). This sequence change falls in intron 5 of the ROGDI gene. It does not directly change the encoded amino acid sequence of the ROGDI protein. It affects a nucleotide within the consensus splice site of the intron.

Literature cited by the submitters: PubMed 17576681; PubMed 9536098.